The following is an entry in ClinVar:

ClinVar aggregate classification (germline): Conflicting classifications of pathogenicity. Review status: criteria provided, conflicting classifications (1 of 4 stars). 5 submissions from 5 submitters: Uncertain significance (3); Likely benign (1). 1 of the submissions does not count toward it. Last evaluated 2026-04-20.

Conditions:
CRB2-related disorder. Also called: CRB2-related disorders; CRB2-related condition.

Allele frequency attached by ClinVar (database versions not stated): gnomAD exomes 0.00027 and 0.00038; ExAC 0.00028; TOPMed 0.00040; gnomAD 0.00042 and 0.00043; ESP Exome Variant Server 0.00046; 1000 Genomes Project 30x 0.00109; 1000 Genomes Project 0.00120.
gnomAD v4.1: 625 of 1,611,042 alleles (0.039%); highest among the groups gnomAD compares: African/African-American, 0.077%; no homozygotes.

Submissions (5):

Women's Health and Genetics/Laboratory Corporation of America, LabCorp
Classification: Uncertain significance. Last evaluated: 2026-04-20. Review status: criteria provided, single submitter. Criteria: LabCorp Variant Classification Summary - May 2015. Collection method: clinical testing. Allele origin: germline.
Comment: Variant summary: CRB2 c.1817G>A (p.Arg606Gln) results in a conservative amino acid change in the encoded protein sequence. Algorithms developed to predict the effect of missense changes on protein structure and function all suggest that this variant is likely to be tolerated. The variant allele was found at a frequency of 0.00027 in 248244 control chromosomes. This frequency is not significantly higher than estimated for disease-causing variants in CRB2, allowing no conclusion about variant significance. To our knowledge, no occurrence of c.1817G>A in individuals affected with CRB2-related conditions and no experimental evidence demonstrating its impact on protein function have been reported. ClinVar contains an entry for this variant (Variation ID: 1593021). Based on the evidence outlined above, the variant was classified as uncertain significance.

Blueprint Genetics
Classification: Uncertain significance. Last evaluated: 2024-07-03. Review status: criteria provided, single submitter. Criteria: ACMG Guidelines, 2015. Collection method: clinical testing. Allele origin: germline.

GeneDx
Classification: Uncertain significance. Last evaluated: 2024-03-27. Review status: criteria provided, single submitter. Criteria: GeneDx Variant Classification Process June 2021. Collection method: clinical testing. Allele origin: germline. Affected: yes.
Comment: In silico analysis supports that this missense variant does not alter protein structure/function; Has not been previously published as pathogenic or benign to our knowledge

Labcorp Genetics (formerly Invitae), Labcorp
Classification: Likely benign. Last evaluated: 2022-07-12. Review status: criteria provided, single submitter. Criteria: Invitae Variant Classification Sherloc (09022015). Collection method: clinical testing. Allele origin: germline.

PreventionGenetics, part of Exact Sciences
Classification: Uncertain significance for CRB2-related condition. Last evaluated: 2024-05-11. Review status: no assertion criteria provided. Collection method: clinical testing. Allele origin: germline. Not counted in ClinVar's aggregate classification.
Comment: The CRB2 c.1817G>A variant is predicted to result in the amino acid substitution p.Arg606Gln. To our knowledge, this variant has not been reported in the literature. This variant is reported in 0.080% of alleles in individuals of African descent in gnomAD. Although we suspect that this variant may be benign, at this time, the clinical significance of this variant is uncertain due to the absence of conclusive functional and genetic evidence.

NM_173689.7(CRB2):c.1817G>A (p.Arg606Gln)

Gene: CRB2 (crumbs cell polarity complex component 2; plus strand). Cytogenetic location: 9q33.3.
Variant type: single nucleotide variant.
Coding change: c.1817G>A on transcript NM_173689.7 (MANE Select); coding-DNA position 1817, G replaced by A.
Protein change: p.Arg606Gln; replaces arginine 606 with glutamine.
Molecular consequence: missense variant. On other transcripts: non-coding transcript variant (1).
Genome position (GRCh38, 1-based): chr9:123,370,870, G>A. VCF-style: chr9-123370870-G-A. GRCh37 (hg19) VCF-style: chr9-126133149-G-A.
Other names: c.1817G>A (NM_173689.6); short protein forms R606Q.
Identifiers: ClinVar variation 1593021 (VCV001593021.12), dbSNP rs149901147, ClinGen allele CA5232056.